The following is an entry in ClinVar:

NM_000051.4(ATM):c.6965G>A (p.Ser2322Asn)

Genes: ATM (ATM serine/threonine kinase; plus strand), C11orf65 (chromosome 11 open reading frame 65; minus strand). Cytogenetic location: 11q22.3.
Variant type: single nucleotide variant.
Coding change: c.6965G>A on transcript NM_000051.4 (MANE Select); coding-DNA position 6965, G replaced by A.
Protein change: p.Ser2322Asn; replaces serine 2322 with asparagine.
Molecular consequence: missense variant. On other transcripts: intron variant (2).
Genome position (GRCh38, 1-based): chr11:108,326,215, G>A. VCF-style: chr11-108326215-G-A. GRCh37 (hg19) VCF-style: chr11-108196942-G-A.
Other names: c.6965G>A, p.Ser2322Asn (NM_001351834.2); c.641-17144C>T (NM_001330368.2); c.*38+9005C>T (NM_001351110.2); short protein forms S2322N.
Identifiers: ClinVar variation 945732 (VCV000945732.11), dbSNP rs876659183, ClinGen allele CA382557406.

ClinVar aggregate classification (germline): Conflicting classifications of pathogenicity. Review status: criteria provided, conflicting classifications (1 of 4 stars). 2 submissions from 2 submitters: Uncertain significance (1); Likely benign (1). Last evaluated 2026-04-30.

Conditions:
Hereditary cancer-predisposing syndrome. Also called: Tumor predisposition; Neoplastic Syndromes, Hereditary; Hereditary neoplastic syndrome; Hereditary Cancer Syndrome. Identifiers: Orphanet 140162, MedGen C0027672, MeSH D009386, MONDO:0015356.
Ataxia-telangiectasia syndrome (AT). Also called: Ataxia-telangiectasia, complementation group D; AT, COMPLEMENTATION GROUP C; ATAXIA-TELANGIECTASIA, COMPLEMENTATION GROUP A; ATAXIA-TELANGIECTASIA, FRESNO VARIANT; Ataxia-telangiectasia; Ataxia telangiectasia (A-T). Identifiers: Orphanet 100, MedGen C0004135, MONDO:0008840, OMIM 208900.

Allele frequency attached by ClinVar (database versions not stated): TOPMed below 0.00001.

Submissions (2):

Ambry Genetics
Classification: Likely benign for Hereditary cancer-predisposing syndrome. Last evaluated: 2026-04-30. Review status: criteria provided, single submitter. Criteria: Ambry Variant Classification Scheme 2023. Collection method: clinical testing. Allele origin: germline.

Labcorp Genetics (formerly Invitae), Labcorp
Classification: Uncertain significance for Ataxia-telangiectasia syndrome. Last evaluated: 2023-10-11. Review status: criteria provided, single submitter. Criteria: Invitae Variant Classification Sherloc (09022015). Collection method: clinical testing. Allele origin: germline.
Comment: This sequence change replaces serine, which is neutral and polar, with asparagine, which is neutral and polar, at codon 2322 of the ATM protein (p.Ser2322Asn). This variant is not present in population databases (gnomAD no frequency). This variant has not been reported in the literature in individuals affected with ATM-related conditions. ClinVar contains an entry for this variant (Variation ID: 945732). Algorithms developed to predict the effect of missense changes on protein structure and function output the following: SIFT: "Not Available"; PolyPhen-2: "Benign"; Align-GVGD: "Not Available". The asparagine amino acid residue is found in multiple mammalian species, which suggests that this missense change does not adversely affect protein function. In summary, the available evidence is currently insufficient to determine the role of this variant in disease. Therefore, it has been classified as a Variant of Uncertain Significance.